The following is an entry in ClinVar:

NM_014889.4(PITRM1):c.28C>T (p.Leu10=)

Genes: PITRM1 (pitrilysin metallopeptidase 1; minus strand), LOC130003177 (ATAC-STARR-seq lymphoblastoid silent region 2073; plus strand). Cytogenetic location: 10p15.2.
Variant type: single nucleotide variant.
Coding change: c.28C>T on transcript NM_014889.4 (MANE Select); coding-DNA position 28, C replaced by T.
Protein change: p.Leu10=; no amino-acid change (leucine 10 retained).
Molecular consequence: synonymous variant. On other transcripts: missense variant (1), 5 prime UTR variant (3), non-coding transcript variant (4).
Genome position (GRCh38, 1-based): chr10:3,172,745, G>A on the plus strand (C>T on the coding strand, the complement: PITRM1 is on the minus strand). VCF-style: chr10-3172745-G-A. GRCh37 (hg19) VCF-style: chr10-3214937-G-A.
Other names: c.28C>T (NM_001242307.1); c.28C>T, p.Leu10= (NM_001242307.2, NM_001347725.2); c.35C>T, p.Pro12Leu (NM_001242309.1); c.-544C>T (NM_001347726.2, NM_001347727.2); c.-1273C>T (NM_001347728.2); short protein forms P12L.
Identifiers: ClinVar variation 1575370 (VCV001575370.39), dbSNP rs572092794, ClinGen allele CA5388377.

ClinVar aggregate classification (germline): Benign/Likely benign. Review status: criteria provided, multiple submitters, no conflicts (2 of 4 stars). 6 submissions from 6 submitters: Benign (2); Likely benign (4). Last evaluated 2025-12-21.

Conditions:
PITRM1-related disorder. Also called: PITRM1-related condition.

Allele frequency attached by ClinVar (database versions not stated): 1000 Genomes Project 0.00020; 1000 Genomes Project 30x 0.00031; ExAC 0.00157.
gnomAD v4.1: 1,046 of 1,545,804 alleles (0.068%); highest among the groups gnomAD compares: Middle Eastern, 0.4%; 5 homozygotes.

Submissions (6):

Labcorp Genetics (formerly Invitae), Labcorp
Classification: Benign. Last evaluated: 2025-12-21. Review status: criteria provided, single submitter. Criteria: Invitae Variant Classification Sherloc (09022015). Collection method: clinical testing. Allele origin: germline.

PreventionGenetics, part of Exact Sciences
Classification: Likely benign for PITRM1-related condition. Last evaluated: 2025-03-25. Review status: criteria provided, single submitter. Criteria: ACMG Guidelines, 2015. Collection method: clinical testing. Allele origin: germline.
Comment: This variant is classified as likely benign based on ACMG/AMP sequence variant interpretation guidelines (Richards et al. 2015 PMID: 25741868, with internal and published modifications).

Blueprint Genetics
Classification: Likely benign. Last evaluated: 2024-11-15. Review status: criteria provided, single submitter. Criteria: ACMG Guidelines, 2015. Collection method: clinical testing. Allele origin: germline.

Ambry Genetics
Classification: Likely benign. Last evaluated: 2023-08-04. Review status: criteria provided, single submitter. Criteria: Ambry Variant Classification Scheme 2023. Collection method: clinical testing. Allele origin: germline.

CeGaT Center for Human Genetics Tuebingen
Classification: Likely benign. Last evaluated: 2023-06-01. Review status: criteria provided, single submitter. Criteria: CeGaT Center For Human Genetics Tuebingen Variant Classification Criteria Version 2. Collection method: clinical testing. Allele origin: germline. Affected: yes. Observed: 1 variant allele.
Comment: PITRM1: BP4

Breakthrough Genomics
Classification: Benign. Review status: criteria provided, single submitter. Criteria: ACMG Guidelines, 2015. Collection method: not provided. Allele origin: germline. Inheritance: Autosomal recessive inheritance. Affected: yes.